The following is an entry in ClinVar:

ClinVar aggregate classification (germline): Likely pathogenic (1 of 4 stars; one submission).

Submission:

GeneDx
Classification: Likely pathogenic. Last evaluated: 2016-11-21. Review status: criteria provided, single submitter. Criteria: GeneDx Variant Classification (06012015). Collection method: clinical testing. Allele origin: germline. Affected: yes.
Comment: The C804Y variant in the MEGF10 gene has not been reported previously as a pathogenic variant, nor as a benign variant, to our knowledge. The C804Y variant was not observed in approximately 6,500 individuals of European and African American ancestry in the NHLBI Exome Sequencing Project, indicating it is not a common benign variant in these populations. The C804Y variant is a non-conservative amino acid substitution, which is likely to impact secondary protein structure as these residues differ in polarity, charge, size and/or other properties. This substitution occurs at a position that is conserved across species. In silico analysis predicts this variant is probably damaging to the protein structure/function. The C804Y variant is a strong candidate for a pathogenic variant, however the possibility it may be a rare benign variant cannot be excluded.

NM_001256545.2(MEGF10):c.2411G>A (p.Cys804Tyr)

Gene: MEGF10 (multiple EGF like domains 10; plus strand). Cytogenetic location: 5q23.2.
Variant type: single nucleotide variant.
Coding change: c.2411G>A on transcript NM_001256545.2 (MANE Select); coding-DNA position 2411, G replaced by A.
Protein change: p.Cys804Tyr; replaces cysteine 804 with tyrosine.
Molecular consequence: missense variant.
Genome position (GRCh38, 1-based): chr5:127,443,046, G>A. VCF-style: chr5-127443046-G-A. GRCh37 (hg19) VCF-style: chr5-126778738-G-A.
Other names: c.2411G>A, p.Cys804Tyr (NM_032446.3); short protein forms C804Y.
Identifiers: ClinVar variation 390811 (VCV000390811.2), dbSNP rs1057523896, ClinGen allele CA16604816.